The following is an entry in ClinVar:

ClinVar aggregate classification (germline): Uncertain significance (1 of 4 stars; one submission).

Conditions:
Hereditary cancer-predisposing syndrome. Also called: Neoplastic Syndromes, Hereditary; Tumor predisposition; Hereditary neoplastic syndrome; Hereditary Cancer Syndrome. Identifiers: Orphanet 140162, MedGen C0027672, MeSH D009386, MONDO:0015356.

Submission:

Ambry Genetics
Classification: Uncertain significance for Hereditary cancer-predisposing syndrome. Last evaluated: 2026-07-06. Review status: criteria provided, single submitter. Criteria: Ambry Variant Classification Scheme 2023. Collection method: clinical testing. Allele origin: germline.
Comment: The p.S802R variant (also known as c.2406C>G), located in coding exon 21 of the TSC2 gene, results from a C to G substitution at nucleotide position 2406. The serine at codon 802 is replaced by arginine, an amino acid with dissimilar properties. This amino acid position is conserved. In addition, the in silico prediction for this alteration is inconclusive. Based on the available evidence, the clinical significance of this variant remains unclear.

NM_000548.5(TSC2):c.2406C>G (p.Ser802Arg)

Gene: TSC2 (TSC complex subunit 2; plus strand). Cytogenetic location: 16p13.3.
Variant type: single nucleotide variant.
Coding change: c.2406C>G on transcript NM_000548.5 (MANE Select); coding-DNA position 2406, C replaced by G.
Protein change: p.Ser802Arg; replaces serine 802 with arginine.
Molecular consequence: missense variant. On other transcripts: non-coding transcript variant (5).
Genome position (GRCh38, 1-based): chr16:2,074,250, C>G. VCF-style: chr16-2074250-C-G. GRCh37 (hg19) VCF-style: chr16-2124251-C-G.
Other names: c.1806C>G, p.Ser602Arg (NM_001406680.1, NM_001406682.1, NM_001406683.1 and 6 more transcripts); c.1944C>G, p.Ser648Arg (NM_001406681.1); c.1062C>G, p.Ser354Arg (NM_001406689.1, NM_001406690.1, NM_001406691.1 and 6 more transcripts); c.2406C>G, p.Ser802Arg (NM_001077183.3, NM_001114382.3, NM_001363528.2 and 6 more transcripts); c.2295C>G, p.Ser765Arg (NM_001318827.2, NM_001406670.1, NM_001406678.1); c.2259C>G, p.Ser753Arg (NM_001318829.2, NM_001406675.1, NM_001406676.1 and 1 more transcripts); c.2439C>G, p.Ser813Arg (NM_001318832.2); c.2496C>G, p.Ser832Arg (NM_001406667.1, NM_001406668.1); and 3 more; short protein forms S354R, S648R, S832R, S602R, S783R, S268R, S765R, S798R.
Identifiers: ClinVar variation 5031324 (VCV005031324.1).